The following is an entry in ClinVar:

ClinVar aggregate classification (germline): Uncertain significance. Review status: criteria provided, multiple submitters, no conflicts (2 of 4 stars). 2 submissions from 2 submitters: Uncertain significance (2). Last evaluated 2025-04-24.

Conditions:
Inborn genetic diseases. Identifiers: MedGen C0950123, MeSH D030342.

Allele frequency attached by ClinVar (database versions not stated): gnomAD exomes 0.00001; TOPMed 0.00002; ExAC 0.00001; gnomAD 0.00001.
gnomAD v4.1: 11 of 1,614,008 alleles (0.00068%); highest among the groups gnomAD compares: Admixed American, 0.0083%; no homozygotes.

Submissions (2):

Ambry Genetics
Classification: Uncertain significance for Inborn genetic diseases. Last evaluated: 2025-04-24. Review status: criteria provided, single submitter. Criteria: Ambry Variant Classification Scheme 2023. Collection method: clinical testing. Allele origin: germline.

Women's Health and Genetics/Laboratory Corporation of America, LabCorp
Classification: Uncertain significance. Last evaluated: 2024-03-22. Review status: criteria provided, single submitter. Criteria: LabCorp Variant Classification Summary - May 2015. Collection method: clinical testing. Allele origin: germline.
Comment: Variant summary: DPYSL5 c.1123G>A (p.Ala375Thr) results in a non-conservative amino acid change located in the Amidohydrolase-related domain (IPR006680) of the encoded protein sequence. Five of five in-silico tools predict a damaging effect of the variant on protein function. The variant allele was found at a frequency of 2.4e-05 in 251488 control chromosomes (i.e. 6 carriers) in gnomAD (v2.1 dataset). The occurrences in several carriers suggest that this variant is likely not associated with a high penetrance, severe, early onset disease phenotype in heterozygous state. To our knowledge, no occurrence of c.1123G>A in individuals affected with Ritscher-Schinzel Syndrome 4 and no experimental evidence demonstrating its impact on protein function have been reported. No submitters have cited clinical-significance assessments for this variant to ClinVar. Based on the evidence outlined above, the variant was classified as VUS-possibly benign.

NM_020134.4(DPYSL5):c.1123G>A (p.Ala375Thr)

Gene: DPYSL5 (dihydropyrimidinase like 5; plus strand). Cytogenetic location: 2p23.3.
Variant type: single nucleotide variant.
Coding change: c.1123G>A on transcript NM_020134.4 (MANE Select); coding-DNA position 1123, G replaced by A.
Protein change: p.Ala375Thr; replaces alanine 375 with threonine.
Molecular consequence: missense variant.
Genome position (GRCh38, 1-based): chr2:26,941,983, G>A. VCF-style: chr2-26941983-G-A. GRCh37 (hg19) VCF-style: chr2-27164851-G-A.
Other names: c.1123G>A, p.Ala375Thr (NM_001253723.2, NM_001253724.2); c.1123G>A (NM_020134.3); short protein forms A375T.
Identifiers: ClinVar variation 3233801 (VCV003233801.3), dbSNP rs769293152, ClinGen allele CA1566366.